The following is an entry in ClinVar:

ClinVar aggregate classification (germline): Uncertain significance (1 of 4 stars; one submission).

Conditions:
RYR1-related disorder. Also called: RYR1-related condition; RYR1-related disorders. Identifiers: MedGen CN239331.

Submission:

Labcorp Genetics (formerly Invitae), Labcorp
Classification: Uncertain significance for RYR1-related disorder. Last evaluated: 2025-12-22. Review status: criteria provided, single submitter. Criteria: Invitae Variant Classification Sherloc (09022015). Collection method: clinical testing. Allele origin: germline.
Comment: This sequence change replaces histidine, which is basic and polar, with tyrosine, which is neutral and polar, at codon 3894 of the RYR1 protein (p.His3894Tyr). This variant is not present in population databases (gnomAD no frequency). This variant has not been reported in the literature in individuals affected with RYR1-related conditions. ClinVar contains an entry for this variant (Variation ID: 1386797). Invitae Evidence Modeling of protein sequence and biophysical properties (such as structural, functional, and spatial information, amino acid conservation, physicochemical variation, residue mobility, and thermodynamic stability) indicates that this missense variant is expected to disrupt RYR1 protein function with a positive predictive value of 80%. In summary, the available evidence is currently insufficient to determine the role of this variant in disease. Therefore, it has been classified as a Variant of Uncertain Significance.

NM_000540.3(RYR1):c.11680C>T (p.His3894Tyr)

Gene: RYR1 (ryanodine receptor 1; plus strand). Cytogenetic location: 19q13.2.
Variant type: single nucleotide variant.
Coding change: c.11680C>T on transcript NM_000540.3 (MANE Select); coding-DNA position 11680, C replaced by T.
Protein change: p.His3894Tyr; replaces histidine 3894 with tyrosine.
Molecular consequence: missense variant.
Genome position (GRCh38, 1-based): chr19:38,537,951, C>T. VCF-style: chr19-38537951-C-T. GRCh37 (hg19) VCF-style: chr19-39028591-C-T.
Other names: c.11665C>T, p.His3889Tyr (NM_001042723.2); short protein forms H3894Y, H3889Y.
Identifiers: ClinVar variation 1386797 (VCV001386797.6), dbSNP rs2145756647, ClinGen allele CA405658574.